The following is an entry in ClinVar:

ClinVar aggregate classification (germline): Uncertain significance (1 of 4 stars; one submission).

Allele frequency attached by ClinVar (database versions not stated): TOPMed below 0.00001; gnomAD exomes 0.00001.
gnomAD v4.1: 8 of 1,614,106 alleles (0.0005%); highest among the groups gnomAD compares: Non-Finnish European, 0.00068%; no homozygotes.

Submission:

Labcorp Genetics (formerly Invitae), Labcorp
Classification: Uncertain significance. Last evaluated: 2021-09-28. Review status: criteria provided, single submitter. Criteria: Invitae Variant Classification Sherloc (09022015). Collection method: clinical testing. Allele origin: germline.
Comment: In summary, the available evidence is currently insufficient to determine the role of this variant in disease. Therefore, it has been classified as a Variant of Uncertain Significance. Variants that disrupt the consensus splice site are a relatively common cause of aberrant splicing (PMID: 17576681, 9536098). Algorithms developed to predict the effect of sequence changes on RNA splicing suggest that this variant is not likely to affect RNA splicing. This variant has not been reported in the literature in individuals affected with COL4A2-related conditions. This variant is not present in population databases (ExAC no frequency). This sequence change falls in intron 17 of the COL4A2 gene. It does not directly change the encoded amino acid sequence of the COL4A2 protein. It affects a nucleotide within the consensus splice site of the intron.

Literature cited by the submitters: PubMed 17576681; PubMed 9536098.

NM_001846.4(COL4A2):c.1011+6C>T

Gene: COL4A2 (collagen type IV alpha 2 chain; plus strand). Cytogenetic location: 13q34.
Variant type: single nucleotide variant.
Coding change: c.1011+6C>T on transcript NM_001846.4 (MANE Select); 6 bases into the intron after coding-DNA position 1011, C replaced by T.
Molecular consequence: intron variant.
Genome position (GRCh38, 1-based): chr13:110,445,888, C>T. VCF-style: chr13-110445888-C-T. GRCh37 (hg19) VCF-style: chr13-111098235-C-T.
Identifiers: ClinVar variation 1415776 (VCV001415776.6), dbSNP rs1881302554, ClinGen allele CA2118866137.